The following is an entry in ClinVar:

NM_024301.5(FKRP):c.399G>T (p.Ala133=)

Gene: FKRP (fukutin related protein; plus strand). Cytogenetic location: 19q13.32.
Variant type: single nucleotide variant.
Coding change: c.399G>T on transcript NM_024301.5 (MANE Select); coding-DNA position 399, G replaced by T.
Protein change: p.Ala133=; no amino-acid change (alanine 133 retained).
Molecular consequence: synonymous variant.
Genome position (GRCh38, 1-based): chr19:46,755,849, G>T. VCF-style: chr19-46755849-G-T. GRCh37 (hg19) VCF-style: chr19-47259106-G-T.
Other names: c.399G>T, p.Ala133= (NM_001039885.3).
Identifiers: ClinVar variation 392555 (VCV000392555.2), dbSNP rs1057524539, ClinGen allele CA16607859.

ClinVar aggregate classification (germline): Likely benign. Review status: criteria provided, multiple submitters, no conflicts (2 of 4 stars). 2 submissions from 2 submitters: Likely benign (2). Last evaluated 2025-07-30.

Conditions:
Walker-Warburg congenital muscular dystrophy. Also called: Muscular dystrophy-dystroglycanopathy, type A; Walker-Warburg syndrome. Identifiers: Orphanet 899, MedGen C0265221, MONDO:0000171.

Allele frequency attached by ClinVar (database versions not stated): gnomAD exomes 0.00001.
gnomAD v4.1: 1 of 1,490,296 alleles (0.000067%); highest among the groups gnomAD compares: Non-Finnish European, 0.000089%; no homozygotes.

Submissions (2):

Labcorp Genetics (formerly Invitae), Labcorp
Classification: Likely benign for Walker-Warburg congenital muscular dystrophy. Last evaluated: 2025-07-30. Review status: criteria provided, single submitter. Criteria: Invitae Variant Classification Sherloc (09022015). Collection method: clinical testing. Allele origin: germline.

GeneDx
Classification: Likely benign. Last evaluated: 2017-07-31. Review status: criteria provided, single submitter. Criteria: GeneDx Variant Classification (06012015). Collection method: clinical testing. Allele origin: germline. Affected: yes.
Comment: This variant is considered likely benign or benign based on one or more of the following criteria: it is a conservative change, it occurs at a poorly conserved position in the protein, it is predicted to be benign by multiple in silico algorithms, and/or has population frequency not consistent with disease.